The following is an entry in ClinVar:

NM_199242.3(UNC13D):c.560C>A (p.Thr187Asn)

Gene: UNC13D (unc-13 homolog D; minus strand). Cytogenetic location: 17q25.1.
Variant type: single nucleotide variant.
Coding change: c.560C>A on transcript NM_199242.3 (MANE Select); coding-DNA position 560, C replaced by A.
Protein change: p.Thr187Asn; replaces threonine 187 with asparagine.
Molecular consequence: missense variant.
Genome position (GRCh38, 1-based): chr17:75,842,442, G>T on the plus strand (C>A on the coding strand, the complement: UNC13D is on the minus strand). VCF-style: chr17-75842442-G-T. GRCh37 (hg19) VCF-style: chr17-73838523-G-T.
Other names: short protein forms T187N.
Identifiers: ClinVar variation 2154574 (VCV002154574.1), dbSNP rs563841795, ClinGen allele CA401113725.

ClinVar aggregate classification (germline): Uncertain significance (1 of 4 stars; one submission).

Conditions:
Familial hemophagocytic lymphohistiocytosis 3 (FHL3). Also called: UNC13D-Related Familial Hemophagocytic Lymphohistiocytosis (UNC13D-fHLH). Identifiers: Orphanet 540, MedGen C1837174, MONDO:0012146, OMIM 608898.

gnomAD v4.1: 8 of 1,612,430 alleles (0.0005%); highest among the groups gnomAD compares: Admixed American, 0.0017%; no homozygotes.

Submission:

Labcorp Genetics (formerly Invitae), Labcorp
Classification: Uncertain significance for Familial hemophagocytic lymphohistiocytosis 3. Last evaluated: 2022-08-05. Review status: criteria provided, single submitter. Criteria: Invitae Variant Classification Sherloc (09022015). Collection method: clinical testing. Allele origin: germline.
Comment: This sequence change replaces threonine, which is neutral and polar, with asparagine, which is neutral and polar, at codon 187 of the UNC13D protein (p.Thr187Asn). This variant is not present in population databases (gnomAD no frequency). This variant has not been reported in the literature in individuals affected with UNC13D-related conditions. Algorithms developed to predict the effect of missense changes on protein structure and function are either unavailable or do not agree on the potential impact of this missense change (SIFT: "Not Available"; PolyPhen-2: "Probably Damaging"; Align-GVGD: "Not Available"). In summary, the available evidence is currently insufficient to determine the role of this variant in disease. Therefore, it has been classified as a Variant of Uncertain Significance.